The following is an entry in ClinVar:

NM_004333.6(BRAF):c.1723A>G (p.Arg575Gly)

Gene: BRAF (B-Raf proto-oncogene, serine/threonine kinase; minus strand). Cytogenetic location: 7q34.
Variant type: single nucleotide variant.
Coding change: c.1723A>G on transcript NM_004333.6 (MANE Select); coding-DNA position 1723, A replaced by G.
Protein change: p.Arg575Gly; replaces arginine 575 with glycine.
Molecular consequence: missense variant.
Genome position (GRCh38, 1-based): chr7:140,754,205, T>C on the plus strand (A>G on the coding strand, the complement: BRAF is on the minus strand). VCF-style: chr7-140754205-T-C. GRCh37 (hg19) VCF-style: chr7-140454005-T-C.
Other names: c.1723A>G, p.Arg575Gly (NM_001354609.2, NM_001378468.1, NM_001378474.1); c.1843A>G, p.Arg615Gly (NM_001374244.1, NM_001374258.1); c.1732A>G, p.Arg578Gly (NM_001378467.1); c.1657A>G, p.Arg553Gly (NM_001378469.1); c.1621A>G, p.Arg541Gly (NM_001378470.1); c.1612A>G, p.Arg538Gly (NM_001378471.1); c.1567A>G, p.Arg523Gly (NM_001378472.1, NM_001378473.1); c.1459A>G, p.Arg487Gly (NM_001378475.1); short protein forms R487G, R523G, R538G, R541G, R553G, R575G, R578G, R615G.
Identifiers: ClinVar variation 3027033 (VCV003027033.22), dbSNP rs2128999617, ClinGen allele CA369543885.
Genomic context (GRCh38, chr7:140,754,205, plus strand): 5'-AGGATGTTTTCAAACTTCGCAGACAAATTTCAGGAAGGATACTATTACTCTTGAGGTCTC[T>C]GTGGATGATTGACTTGGCGTGTAAGTAACTGAAAAACAAAACATCATTTTAACCTGAGTA-3'
Protein context (NP_004324.2, residues 565-585): DYLHAKSIIH[Arg575Gly]DLKSNNIFLH

ClinVar aggregate classification (germline): Uncertain significance (1 of 4 stars; one submission).

Submission:

CeGaT Center for Human Genetics Tuebingen
Classification: Uncertain significance. Last evaluated: 2024-01-01. Review status: criteria provided, single submitter. Criteria: CeGaT Center For Human Genetics Tuebingen Variant Classification Criteria Version 2. Collection method: clinical testing. Allele origin: germline. Affected: yes. Observed: 1 variant allele.
Comment: BRAF: PM1, PM2, PP3